The following is an entry in ClinVar:

NM_153717.3(EVC):c.939+9C>T

Gene: EVC (EvC ciliary complex subunit 1; plus strand). Cytogenetic location: 4p16.2.
Variant type: single nucleotide variant.
Coding change: c.939+9C>T on transcript NM_153717.3 (MANE Select); 9 bases into the intron after coding-DNA position 939, C replaced by T.
Molecular consequence: intron variant.
Genome position (GRCh38, 1-based): chr4:5,745,350, C>T. VCF-style: chr4-5745350-C-T. GRCh37 (hg19) VCF-style: chr4-5747077-C-T.
Other names: c.939+9C>T (NM_001306090.2, NM_001306092.2).
Identifiers: ClinVar variation 435101 (VCV000435101.47), dbSNP rs201282320, ClinGen allele CA2835919.

ClinVar aggregate classification (germline): Benign/Likely benign. Review status: criteria provided, multiple submitters, no conflicts (2 of 4 stars). 5 submissions from 5 submitters: Benign (3); Likely benign (1). 1 of the submissions does not count toward it. Last evaluated 2025-04-21.

Conditions:
Ellis-van Creveld syndrome (EVC). Also called: Chondroectodermal dysplasia; MESOECTODERMAL DYSPLASIA. Identifiers: Orphanet 289, MedGen C0013903, MONDO:0009162, OMIM 225500.
Curry-Hall syndrome (WAD). Also called: WEYERS ACRODENTAL DYSOSTOSIS. Identifiers: Orphanet 952, MedGen C0457013, MONDO:0008673, OMIM 193530.

Allele frequency attached by ClinVar (database versions not stated): gnomAD 0.00205 and 0.00211; 1000 Genomes Project 30x 0.00219; 1000 Genomes Project 0.00220; gnomAD exomes 0.00164; ExAC 0.00177; ESP Exome Variant Server 0.00185; TOPMed 0.00194.
gnomAD v4.1: 1,451 of 1,612,264 alleles (0.09%); highest among the groups gnomAD compares: South Asian, 1%; 12 homozygotes.

Submissions (5):

Labcorp Genetics (formerly Invitae), Labcorp
Classification: Benign for Curry-Hall syndrome; Ellis-van Creveld syndrome. Last evaluated: 2025-04-21. Review status: criteria provided, single submitter. Criteria: Invitae Variant Classification Sherloc (09022015). Collection method: clinical testing. Allele origin: germline.

CeGaT Center for Human Genetics Tuebingen
Classification: Benign. Last evaluated: 2022-08-01. Review status: criteria provided, single submitter. Criteria: CeGaT Center For Human Genetics Tuebingen Variant Classification Criteria Version 2. Collection method: clinical testing. Allele origin: germline. Affected: yes. Observed: 1 variant allele.
Comment: EVC: BS1, BS2

ARUP Laboratories, Molecular Genetics and Genomics, ARUP Laboratories
Classification: Benign. Last evaluated: 2020-08-24. Review status: criteria provided, single submitter. Criteria: ARUP Molecular Germline Variant Investigation Process. Collection method: clinical testing. Allele origin: germline.

Genetic Services Laboratory, University of Chicago
Classification: Likely benign. Last evaluated: 2015-10-29. Review status: criteria provided, single submitter. Criteria: ACMG Guidelines, 2015. Collection method: clinical testing. Allele origin: germline. Affected: no.

Natera, Inc.
Classification: Benign for Ellis-van Creveld syndrome. Last evaluated: 2020-09-16. Review status: no assertion criteria provided. Collection method: clinical testing. Allele origin: germline. Not counted in ClinVar's aggregate classification.